The following is an entry in ClinVar:

NM_002161.6(IARS1):c.3394T>C (p.Phe1132Leu)

Gene: IARS1 (isoleucyl-tRNA synthetase 1; minus strand). Cytogenetic location: 9q22.31.
Variant type: single nucleotide variant.
Coding change: c.3394T>C on transcript NM_002161.6 (MANE Select); coding-DNA position 3394, T replaced by C.
Protein change: p.Phe1132Leu; replaces phenylalanine 1132 with leucine.
Molecular consequence: missense variant. On other transcripts: non-coding transcript variant (1), intron variant (1).
Genome position (GRCh38, 1-based): chr9:92,229,016, A>G on the plus strand (T>C on the coding strand, the complement: IARS1 is on the minus strand). VCF-style: chr9-92229016-A-G. GRCh37 (hg19) VCF-style: chr9-94991298-A-G.
Other names: c.3319T>C, p.Phe1107Leu (NM_001374299.1, NM_001374300.1, NM_001378584.1); c.3310T>C, p.Phe1104Leu (NM_001374301.1); c.3457T>C, p.Phe1153Leu (NM_001378569.1); c.3415T>C, p.Phe1139Leu (NM_001378571.1); c.3394T>C, p.Phe1132Leu (NM_001378572.1, NM_001378573.1, NM_001378574.1 and 8 more transcripts); c.3298T>C, p.Phe1100Leu (NM_001378582.1); c.3271T>C, p.Phe1091Leu (NM_001378583.1); c.3367+27T>C (NM_001378577.1); short protein forms F1091L, F1100L, F1104L, F1107L, F1132L, F1139L, F1153L.
Identifiers: ClinVar variation 3361440 (VCV003361440.1).

ClinVar aggregate classification (germline): Uncertain significance (1 of 4 stars; one submission).

Submission:

GeneDx
Classification: Uncertain significance. Last evaluated: 2023-07-27. Review status: criteria provided, single submitter. Criteria: GeneDx Variant Classification Process June 2021. Collection method: clinical testing. Allele origin: germline. Affected: yes.
Comment: Has not been previously published as pathogenic or benign to our knowledge; Not observed at significant frequency in large population cohorts (gnomAD); In silico analysis supports that this missense variant does not alter protein structure/function